The following is an entry in ClinVar:

ClinVar aggregate classification (germline): Pathogenic (1 of 4 stars; one submission).

Submission:

Labcorp Genetics (formerly Invitae), Labcorp
Classification: Pathogenic. Last evaluated: 2024-10-10. Review status: criteria provided, single submitter. Criteria: Invitae Variant Classification Sherloc (09022015). Collection method: clinical testing. Allele origin: germline.
Comment: This sequence change replaces glycine, which is neutral and non-polar, with arginine, which is basic and polar, at codon 440 of the COMP protein (p.Gly440Arg). This variant is not present in population databases (gnomAD no frequency). This missense change has been observed in individuals with pseudoachondroplasia or multiple epiphyseal dysplasia (PMID: 9452026, 15756302, 21644213, 21965141). ClinVar contains an entry for this variant (Variation ID: 1074710). Invitae Evidence Modeling of protein sequence and biophysical properties (such as structural, functional, and spatial information, amino acid conservation, physicochemical variation, residue mobility, and thermodynamic stability) indicates that this missense variant is expected to disrupt COMP protein function with a positive predictive value of 80%. For these reasons, this variant has been classified as Pathogenic.

Literature cited by the submitters: PubMed 9452026; PubMed 15756302; PubMed 21644213; PubMed 21965141.

NM_000095.3(COMP):c.1318G>A (p.Gly440Arg)

Gene: COMP (cartilage oligomeric matrix protein; minus strand). Cytogenetic location: 19p13.11.
Variant type: single nucleotide variant.
Coding change: c.1318G>A on transcript NM_000095.3 (MANE Select); coding-DNA position 1318, G replaced by A.
Protein change: p.Gly440Arg; replaces glycine 440 with arginine.
Molecular consequence: missense variant.
Genome position (GRCh38, 1-based): chr19:18,786,136, C>T on the plus strand (G>A on the coding strand, the complement: COMP is on the minus strand). VCF-style: chr19-18786136-C-T. GRCh37 (hg19) VCF-style: chr19-18896946-C-T.
Other names: short protein forms G440R.
Identifiers: ClinVar variation 1074710 (VCV001074710.9), dbSNP rs1601053997, ClinGen allele CA404885277.